The following is an entry in ClinVar:

ClinVar aggregate classification (germline): Uncertain significance (1 of 4 stars; one submission).

Conditions:
Gastrointestinal stromal tumor. Also called: Gastrointestinal stroma tumor; Gastrointestinal stromal tumor, somatic. Identifiers: Orphanet 44890, MedGen C0238198, MeSH D046152, MONDO:0011719, OMIM 606764, HP:0100723.

Submission:

Labcorp Genetics (formerly Invitae), Labcorp
Classification: Uncertain significance for Gastrointestinal stromal tumor. Last evaluated: 2022-02-06. Review status: criteria provided, single submitter. Criteria: Invitae Variant Classification Sherloc (09022015). Collection method: clinical testing. Allele origin: germline.
Comment: This variant has not been reported in the literature in individuals affected with KIT-related conditions. In summary, the available evidence is currently insufficient to determine the role of this variant in disease. Therefore, it has been classified as a Variant of Uncertain Significance. Algorithms developed to predict the effect of missense changes on protein structure and function (SIFT, PolyPhen-2, Align-GVGD) all suggest that this variant is likely to be disruptive. This variant is not present in population databases (gnomAD no frequency). This sequence change replaces serine, which is neutral and polar, with phenylalanine, which is neutral and non-polar, at codon 639 of the KIT protein (p.Ser639Phe).

NM_000222.3(KIT):c.1916C>T (p.Ser639Phe)

Gene: KIT (KIT proto-oncogene, receptor tyrosine kinase; plus strand). Cytogenetic location: 4q12.
Variant type: single nucleotide variant.
Coding change: c.1916C>T on transcript NM_000222.3 (MANE Select); coding-DNA position 1916, C replaced by T.
Protein change: p.Ser639Phe; replaces serine 639 with phenylalanine.
Molecular consequence: missense variant.
Genome position (GRCh38, 1-based): chr4:54,728,047, C>T. VCF-style: chr4-54728047-C-T. GRCh37 (hg19) VCF-style: chr4-55594213-C-T.
Other names: c.1904C>T, p.Ser635Phe (NM_001093772.2, NM_001385286.1); c.1919C>T, p.Ser640Phe (NM_001385284.1, NM_001385290.1); c.1916C>T, p.Ser639Phe (NM_001385285.1); c.1907C>T, p.Ser636Phe (NM_001385288.1, NM_001385292.1); short protein forms S635F, S640F, S636F, S639F.
Identifiers: ClinVar variation 1371867 (VCV001371867.6), dbSNP rs2109781531, ClinGen allele CA356908553.